The following is an entry in ClinVar:

ClinVar aggregate classification (germline): Conflicting classifications of pathogenicity. Review status: criteria provided, conflicting classifications (1 of 4 stars). 5 submissions from 4 submitters: Uncertain significance (2); Likely benign (3). Last evaluated 2025-01-20.

Conditions:
Charcot-Marie-Tooth disease axonal type 2O. Also called: Charcot-Marie-Tooth Neuropathy Type 2O; CHARCOT-MARIE-TOOTH NEUROPATHY, AXONAL, TYPE 2O; CHARCOT-MARIE-TOOTH DISEASE, AXONAL, AUTOSOMAL DOMINANT, TYPE 2O; Charcot-Marie-Tooth disease, axonal, type 20. Identifiers: Orphanet 284232, MedGen C3280220, MONDO:0013644, OMIM 614228.
Autosomal dominant cerebellar ataxia. Also called: Spinocerebellar Ataxia, Dominant. Identifiers: Orphanet 99, MedGen C4087347, MONDO:0020380.

Allele frequency attached by ClinVar (database versions not stated): TOPMed below 0.00001; gnomAD exomes 0.00008; ExAC 0.00009; gnomAD 0.00009.
gnomAD v4.1: 80 of 1,613,980 alleles (0.005%); highest among the groups gnomAD compares: Non-Finnish European, 0.00051%; no homozygotes.

Submissions (5):

Labcorp Genetics (formerly Invitae), Labcorp
Classification: Likely benign for Charcot-Marie-Tooth disease axonal type 2O. Last evaluated: 2025-01-20. Review status: criteria provided, single submitter. Criteria: Invitae Variant Classification Sherloc (09022015). Collection method: clinical testing. Allele origin: germline.

Blueprint Genetics
Classification: Likely benign. Last evaluated: 2024-06-24. Review status: criteria provided, single submitter. Criteria: ACMG Guidelines, 2015. Collection method: clinical testing. Allele origin: germline.

Illumina Laboratory Services, Illumina
Classification: Uncertain significance for Charcot-Marie-Tooth disease axonal type 2O. Last evaluated: 2018-01-13. Review status: criteria provided, single submitter. Criteria: ICSL Variant Classification Criteria 13 December 2019. Collection method: clinical testing. Allele origin: germline.

Illumina Laboratory Services, Illumina
Classification: Uncertain significance for Spinocerebellar Ataxia, Dominant. Last evaluated: 2018-01-13. Review status: criteria provided, single submitter. Criteria: ICSL Variant Classification Criteria 13 December 2019. Collection method: clinical testing. Allele origin: germline.

GeneDx
Classification: Likely benign. Last evaluated: 2016-10-03. Review status: criteria provided, single submitter. Criteria: GeneDx Variant Classification (06012015). Collection method: clinical testing. Allele origin: germline. Affected: yes.
Comment: This variant is considered likely benign or benign based on one or more of the following criteria: it is a conservative change, it occurs at a poorly conserved position in the protein, it is predicted to be benign by multiple in silico algorithms, and/or has population frequency not consistent with disease.

NM_001376.5(DYNC1H1):c.1560T>C (p.Ile520=)

Gene: DYNC1H1 (dynein cytoplasmic 1 heavy chain 1; plus strand). Cytogenetic location: 14q32.31.
Variant type: single nucleotide variant.
Coding change: c.1560T>C on transcript NM_001376.5 (MANE Select); coding-DNA position 1560, T replaced by C.
Protein change: p.Ile520=; no amino-acid change (isoleucine 520 retained).
Molecular consequence: synonymous variant.
Genome position (GRCh38, 1-based): chr14:101,985,785, T>C. VCF-style: chr14-101985785-T-C. GRCh37 (hg19) VCF-style: chr14-102452122-T-C.
Identifiers: ClinVar variation 389700 (VCV000389700.13), dbSNP rs761916499, ClinGen allele CA7351719.